The following is an entry in ClinVar:

NM_000492.4(CFTR):c.2890C>T (p.Leu964Phe)

Gene: CFTR (CF transmembrane conductance regulator; plus strand). Cytogenetic location: 7q31.2.
Variant type: single nucleotide variant.
Coding change: c.2890C>T on transcript NM_000492.4 (MANE Select); coding-DNA position 2890, C replaced by T.
Protein change: p.Leu964Phe; replaces leucine 964 with phenylalanine.
Molecular consequence: missense variant.
Genome position (GRCh38, 1-based): chr7:117,603,764, C>T. VCF-style: chr7-117603764-C-T. GRCh37 (hg19) VCF-style: chr7-117243818-C-T.
Other names: short protein forms L964F.
Identifiers: ClinVar variation 1797302 (VCV001797302.3), dbSNP rs1461367862, ClinGen allele CA368987575.

ClinVar aggregate classification (germline): Uncertain significance. Review status: criteria provided, multiple submitters, no conflicts (2 of 4 stars). 2 submissions from 2 submitters: Uncertain significance (2). Last evaluated 2025-03-18.

Conditions:
Cystic fibrosis (CF). Also called: MUCOVISCIDOSIS. Identifiers: Orphanet 586, MedGen C0010674, MONDO:0009061, OMIM 219700. Disease mechanism: loss of function.

Allele frequency attached by ClinVar (database versions not stated): gnomAD 0.00001.
gnomAD v4.1: 3 of 1,613,830 alleles (0.00019%); highest among the groups gnomAD compares: East Asian, 0.0022%; no homozygotes.

Submissions (2):

Labcorp Genetics (formerly Invitae), Labcorp
Classification: Uncertain significance for Cystic fibrosis. Last evaluated: 2025-03-18. Review status: criteria provided, single submitter. Criteria: Invitae Variant Classification Sherloc (09022015). Collection method: clinical testing. Allele origin: germline.
Comment: This sequence change replaces leucine, which is neutral and non-polar, with phenylalanine, which is neutral and non-polar, at codon 964 of the CFTR protein (p.Leu964Phe). This variant is present in population databases (no rsID available, gnomAD 0.06%). This variant has not been reported in the literature in individuals affected with CFTR-related conditions. ClinVar contains an entry for this variant (Variation ID: 1797302). Invitae Evidence Modeling of protein sequence and biophysical properties (such as structural, functional, and spatial information, amino acid conservation, physicochemical variation, residue mobility, and thermodynamic stability) indicates that this missense variant is not expected to disrupt CFTR protein function with a negative predictive value of 80%. In summary, the available evidence is currently insufficient to determine the role of this variant in disease. Therefore, it has been classified as a Variant of Uncertain Significance.

Ambry Genetics
Classification: Uncertain significance for Cystic fibrosis. Last evaluated: 2020-06-25. Review status: criteria provided, single submitter. Criteria: Ambry Variant Classification Scheme 2023. Collection method: clinical testing. Allele origin: germline.
Comment: The p.L964F variant (also known as c.2890C>T), located in coding exon 17 of the CFTR gene, results from a C to T substitution at nucleotide position 2890. The leucine at codon 964 is replaced by phenylalanine, an amino acid with highly similar properties. This amino acid position is not well conserved in available vertebrate species, and phenylalanine is the reference amino acid in other vertebrate species. In addition, the in silico prediction for this alteration is inconclusive. Since supporting evidence is limited at this time, the clinical significance of this alteration remains unclear.